The following is an entry in ClinVar:

NM_000814.6(GABRB3):c.923T>G (p.Met308Arg)

Gene: GABRB3 (gamma-aminobutyric acid type A receptor subunit beta3; minus strand). Cytogenetic location: 15q12.
Variant type: single nucleotide variant.
Coding change: c.923T>G on transcript NM_000814.6 (MANE Select); coding-DNA position 923, T replaced by G.
Protein change: p.Met308Arg; replaces methionine 308 with arginine.
Molecular consequence: missense variant.
Genome position (GRCh38, 1-based): chr15:26,561,089, A>C on the plus strand (T>G on the coding strand, the complement: GABRB3 is on the minus strand). VCF-style: chr15-26561089-A-C. GRCh37 (hg19) VCF-style: chr15-26806236-A-C.
Other names: c.668T>G, p.Met223Arg (NM_001191320.2, NM_001278631.2); c.710T>G, p.Met237Arg (NM_001191321.3); c.923T>G, p.Met308Arg (NM_021912.5); short protein forms M308R, M237R, M223R.
Identifiers: ClinVar variation 1364700 (VCV001364700.8), dbSNP rs746425161, ClinGen allele CA391462060.

ClinVar aggregate classification (germline): Pathogenic (1 of 4 stars; one submission).

Conditions:
Epilepsy, childhood absence, susceptibility to, 5. Identifiers: Orphanet 64280, MedGen C2677087, MONDO:0012843, OMIM 612269.
Epilepsy, childhood absence, susceptibility to, 1. Also called: Epilepsy, childhood absence 1. Identifiers: Orphanet 64280, MedGen C1838604, MONDO:0020759, OMIM 600131.

Submission:

Labcorp Genetics (formerly Invitae), Labcorp
Classification: Pathogenic for Epilepsy, childhood absence, susceptibility to, 5; Epilepsy, childhood absence, susceptibility to, 1. Last evaluated: 2021-06-28. Review status: criteria provided, single submitter. Criteria: Invitae Variant Classification Sherloc (09022015). Collection method: clinical testing. Allele origin: germline.
Comment: This variant is not present in population databases (ExAC no frequency). This sequence change replaces methionine with arginine at codon 308 of the GABRB3 protein (p.Met308Arg). The methionine residue is moderately conserved and there is a moderate physicochemical difference between methionine and arginine. This variant has been observed in individual(s) with GABRB3-related conditions (Invitae). In at least one individual the variant was observed to be de novo. Algorithms developed to predict the effect of sequence changes on RNA splicing suggest that this variant may create or strengthen a splice site, but this prediction has not been confirmed by published transcriptional studies. Advanced modeling of protein sequence and biophysical properties (such as structural, functional, and spatial information, amino acid conservation, physicochemical variation, residue mobility, and thermodynamic stability) performed at Invitae indicates that this missense variant is expected to disrupt GABRB3 protein function. For these reasons, this variant has been classified as Pathogenic.